The following is an entry in ClinVar:

NM_206937.2(LIG4):c.2339G>A (p.Gly780Glu)

Gene: LIG4 (DNA ligase 4; minus strand). Cytogenetic location: 13q33.3.
Variant type: single nucleotide variant.
Coding change: c.2339G>A on transcript NM_206937.2 (MANE Select); coding-DNA position 2339, G replaced by A.
Protein change: p.Gly780Glu; replaces glycine 780 with glutamic acid.
Molecular consequence: missense variant.
Genome position (GRCh38, 1-based): chr13:108,208,930, C>T on the plus strand (G>A on the coding strand, the complement: LIG4 is on the minus strand). VCF-style: chr13-108208930-C-T. GRCh37 (hg19) VCF-style: chr13-108861278-C-T.
Other names: c.2339G>A, p.Gly780Glu (NM_001098268.2, NM_001352598.2, NM_001352599.2 and 6 more transcripts); c.2138G>A, p.Gly713Glu (NM_001330595.2); c.2375G>A, p.Gly792Glu (NM_001352604.2); short protein forms G792E, G713E, G780E.
Identifiers: ClinVar variation 1470288 (VCV001470288.8), dbSNP rs1029380670, ClinGen allele CA256179493.

ClinVar aggregate classification (germline): Uncertain significance (1 of 4 stars; one submission).

Conditions:
DNA ligase IV deficiency. Identifiers: Orphanet 99812, MedGen C1847827, MONDO:0011686, OMIM 606593.

Allele frequency attached by ClinVar (database versions not stated): gnomAD 0.00002.
gnomAD v4.1: 4 of 1,613,990 alleles (0.00025%); highest among the groups gnomAD compares: African/African-American, 0.0053%; no homozygotes.

Submission:

Labcorp Genetics (formerly Invitae), Labcorp
Classification: Uncertain significance for DNA ligase IV deficiency. Last evaluated: 2024-06-28. Review status: criteria provided, single submitter. Criteria: Invitae Variant Classification Sherloc (09022015). Collection method: clinical testing. Allele origin: germline.
Comment: This sequence change replaces glycine, which is neutral and non-polar, with glutamic acid, which is acidic and polar, at codon 780 of the LIG4 protein (p.Gly780Glu). This variant is present in population databases (no rsID available, gnomAD 0.01%). This variant has not been reported in the literature in individuals affected with LIG4-related conditions. ClinVar contains an entry for this variant (Variation ID: 1470288). Advanced modeling of protein sequence and biophysical properties (such as structural, functional, and spatial information, amino acid conservation, physicochemical variation, residue mobility, and thermodynamic stability) performed at Invitae indicates that this missense variant is not expected to disrupt LIG4 protein function with a negative predictive value of 95%. In summary, the available evidence is currently insufficient to determine the role of this variant in disease. Therefore, it has been classified as a Variant of Uncertain Significance.